The following is an entry in ClinVar:

NM_001205293.3(CACNA1E):c.133C>G (p.Gln45Glu)

Gene: CACNA1E (calcium voltage-gated channel subunit alpha1 E; plus strand). Cytogenetic location: 1q25.3.
Variant type: single nucleotide variant.
Coding change: c.133C>G on transcript NM_001205293.3 (MANE Select); coding-DNA position 133, C replaced by G.
Protein change: p.Gln45Glu; replaces glutamine 45 with glutamic acid.
Molecular consequence: missense variant.
Genome position (GRCh38, 1-based): chr1:181,483,877, C>G. VCF-style: chr1-181483877-C-G. GRCh37 (hg19) VCF-style: chr1-181453013-C-G.
Other names: c.133C>G, p.Gln45Glu (NM_000721.4, NM_001205294.2); short protein forms Q45E.
Identifiers: ClinVar variation 3731432 (VCV003731432.1).

ClinVar aggregate classification (germline): Uncertain significance (1 of 4 stars; one submission).

Conditions:
Developmental and epileptic encephalopathy, 69. Also called: EPILEPTIC ENCEPHALOPATHY, EARLY INFANTILE, 69. Identifiers: MedGen C4748988, MONDO:0032657, OMIM 618285.

Submission:

Neuberg Centre For Genomic Medicine, NCGM
Classification: Uncertain significance for Developmental and epileptic encephalopathy, 69. Last evaluated: 2023-06-22. Review status: criteria provided, single submitter. Criteria: ACMG Guidelines, 2015. Collection method: clinical testing. Allele origin: germline. Inheritance: Autosomal dominant inheritance. Affected: yes.
Comment: The missense variant c.133C>G (p.Gln45Glu) in the CACNA1E gene has not been reported previously as a pathogenic variant nor as a benign variant, to our knowledge. This variant is absent in the gnomAD Exomes. The amino acid Gln at position 45 is changed to a Glu changing protein sequence and it might alter its composition and physico-chemical properties. Multiple lines of computational evidence (Polyphen - Damaging, SIFT - Damaging and MutationTaster - Disease causing) predict a damaging effect on protein structure and function for this variant. The amino acid change p.Gln45Glu in CACNA1E is predicted as conserved by GERP++ and PhyloP across 100 vertebrates. For these reasons, this variant has been classified as Uncertain Significance.